The following is an entry in ClinVar:

GRCh37/hg19 13q22.1-34(chr13:73488238-115107733)x3

Genes: ABCC4 (ATP binding cassette subfamily C member 4 (PEL blood group); minus strand), ABHD13 (abhydrolase domain containing 13; plus strand), ACOD1 (aconitate decarboxylase 1; plus strand), ADPRHL1 (ADP-ribosylhydrolase like 1; minus strand), ANKRD10 (ankyrin repeat domain 10; minus strand) and 118 more. Cytogenetic location: 13q22.1-34.
Variant type: copy number gain.
Change: copy number 3 (three copies instead of two) of chr13:73,488,238-115,107,733 (41.62 Mb, GRCh37 coordinates, 1-based), cytogenetic band 13q22.1-34.
Identifiers: ClinVar variation 2684705 (VCV002684705.1).

ClinVar aggregate classification (germline): Pathogenic (1 of 4 stars; one submission).

Submission:

Quest Diagnostics Nichols Institute San Juan Capistrano
Classification: Pathogenic. Last evaluated: 2024-03-15. Review status: criteria provided, single submitter. Criteria: ACMG/ClinGen CNV Guidelines, 2019. Collection method: clinical testing. Allele origin: unknown.
Comment: This gain involves over 100 protein-coding genes. Some individuals with distal 13q gains have been described to resemble those with complete trisomy 13 (Douglas 2017, Haddad 2012, Krygier 2014, Tharapel 1986, Warburton 2000). Thus, based on gene count and current medical literature, this CNV is classified as pathogenic. References: Douglas et al., Am J Med Genet A. 2017 Jun;173(6):1673-1680. PMID: 28394407; Haddad et al., Am J Med Genet A. 2012 Apr;158A(4):894-900. PMID: 22419357; Krygier et al., Clin Dysmorphol. 2014 Oct;23(4):155-7. PMID: 25144153; Tharapel et al., J Med Genet. 1986 Aug;23(4):310-5. PMID: 3746829; Warburton et al., Am J Hum Genet. 2000 Jun;66(6):1794-806. PMID: 10777715